The following is an entry in ClinVar:

NM_001267550.2(TTN):c.1447G>A (p.Ala483Thr)

Gene: TTN (titin; minus strand). Cytogenetic location: 2q31.2.
Variant type: single nucleotide variant.
Coding change: c.1447G>A on transcript NM_001267550.2 (MANE Select); coding-DNA position 1447, G replaced by A.
Protein change: p.Ala483Thr; replaces alanine 483 with threonine.
Molecular consequence: missense variant.
Genome position (GRCh38, 1-based): chr2:178,793,493, C>T on the plus strand (G>A on the coding strand, the complement: TTN is on the minus strand). VCF-style: chr2-178793493-C-T. GRCh37 (hg19) VCF-style: chr2-179658220-C-T.
Other names: c.1447G>A, p.Ala483Thr (NM_133378.4, NM_001256850.1, NM_003319.4 and 3 more transcripts); short protein forms A483T.
Identifiers: ClinVar variation 199181 (VCV000199181.44), dbSNP rs34337578, ClinGen allele CA248252.

ClinVar aggregate classification (germline): Conflicting classifications of pathogenicity. Review status: criteria provided, conflicting classifications (1 of 4 stars). 13 submissions from 9 submitters: Uncertain significance (11); Likely benign (2). Last evaluated 2026-04-06.

Conditions:
TTN-related disorder. Also called: TTN-related condition; TTN-related disease; TTN-related disorders.
Cardiovascular phenotype. Identifiers: MedGen CN230736.
Autosomal recessive limb-girdle muscular dystrophy type 2J (LGMDR10). Also called: Limb-girdle muscular dystrophy, type 2J; MUSCULAR DYSTROPHY, LIMB-GIRDLE, AUTOSOMAL RECESSIVE 10. Identifiers: Orphanet 140922, MedGen C1837342, MONDO:0012127, OMIM 608807.
Dilated cardiomyopathy 1G (CMD1G). Identifiers: Orphanet 154, MedGen C1858763, MONDO:0011400, OMIM 604145.
Early-onset myopathy with fatal cardiomyopathy (CMYO5). Also called: Salih Myopathy; CONGENITAL MYOPATHY 5 WITH CARDIOMYOPATHY. Identifiers: Orphanet 289377, MedGen C2673677, MONDO:0012714, OMIM 611705. Disease mechanism: loss of function.
Myopathy, myofibrillar, 9, with early respiratory failure (MFM9). Also called: EDSTROM MYOPATHY; MYOPATHY, PROXIMAL, WITH EARLY RESPIRATORY MUSCLE INVOLVEMENT; Myopathy, distal, with early respiratory failure, autosomal dominant; Hereditary myopathy with early respiratory failure. Identifiers: Orphanet 178464, Orphanet 34521, MedGen C1863599, MONDO:0011362, OMIM 603689.
Tibial muscular dystrophy (TMD). Also called: Tibial muscular dystrophy, tardive; UDD MYOPATHY; Udd Distal Myopathy – Tibial Muscular Dystrophy. Identifiers: Orphanet 609, MedGen C1838244, MONDO:0010870, OMIM 600334.

Allele frequency attached by ClinVar (database versions not stated): ExAC 0.00003; gnomAD 0.00003 and 0.00004; TOPMed 0.00003; gnomAD exomes 0.00005.
gnomAD v4.1: 79 of 1,613,964 alleles (0.0049%); highest among the groups gnomAD compares: Middle Eastern, 0.016%; no homozygotes.

Submissions (13):

PreventionGenetics, part of Exact Sciences
Classification: Uncertain significance for TTN-related condition. Last evaluated: 2026-04-06. Review status: criteria provided, single submitter. Criteria: ACMG Guidelines, 2015. Collection method: clinical testing. Allele origin: germline.
Comment: The TTN c.1447G>A variant is predicted to result in the amino acid substitution p.Ala483Thr. To our knowledge, this variant has not been reported in the literature. This variant is reported in 0.0096% of alleles in individuals of Ashkenazi Jewish descent in gnomAD. At this time, the clinical significance of this variant is uncertain due to the absence of conclusive functional and genetic evidence.

Molecular Diagnostic Laboratory for Inherited Cardiovascular Disease, Montreal Heart Institute
Classification: Likely benign. Last evaluated: 2025-04-09. Review status: criteria provided, single submitter. Criteria: ACMG Guidelines, 2015. Collection method: clinical testing. Allele origin: germline. Affected: no.

CeGaT Center for Human Genetics Tuebingen
Classification: Uncertain significance. Last evaluated: 2023-08-01. Review status: criteria provided, single submitter. Criteria: CeGaT Center For Human Genetics Tuebingen Variant Classification Criteria Version 2. Collection method: clinical testing. Allele origin: germline. Affected: yes. Observed: 1 variant allele.
Comment: TTN: PM2, BP4

GeneDx
Classification: Likely benign. Last evaluated: 2020-10-07. Review status: criteria provided, single submitter. Criteria: GeneDx Variant Classification Process June 2021. Collection method: clinical testing. Allele origin: germline. Affected: yes.

Revvity Omics, Revvity
Classification: Uncertain significance. Last evaluated: 2019-05-17. Review status: criteria provided, single submitter. Criteria: ACMG Guidelines, 2015. Collection method: clinical testing. Allele origin: germline.

Ambry Genetics
Classification: Uncertain significance for Cardiovascular phenotype. Last evaluated: 2018-08-17. Review status: criteria provided, single submitter. Criteria: Ambry Variant Classification Scheme 2023. Collection method: clinical testing. Allele origin: germline.
Comment: The p.A483T variant (also known as c.1447G>A), located in coding exon 8 of the TTN gene, results from a G to A substitution at nucleotide position 1447. The alanine at codon 483 is replaced by threonine, an amino acid with similar properties. This amino acid position is well conserved in available vertebrate species; however, threonine is the reference amino acid in other vertebrate species. In addition, this alteration is predicted to be tolerated by in silico analysis. Since supporting evidence is limited at this time, the clinical significance of this alteration remains unclear.

Illumina Laboratory Services, Illumina
Classification: Uncertain significance for Early-onset myopathy with fatal cardiomyopathy. Last evaluated: 2018-01-13. Review status: criteria provided, single submitter. Criteria: ICSL Variant Classification Criteria 13 December 2019. Collection method: clinical testing. Allele origin: germline.

Illumina Laboratory Services, Illumina
Classification: Uncertain significance for Dilated cardiomyopathy 1G. Last evaluated: 2018-01-13. Review status: criteria provided, single submitter. Criteria: ICSL Variant Classification Criteria 13 December 2019. Collection method: clinical testing. Allele origin: germline.

Illumina Laboratory Services, Illumina
Classification: Uncertain significance for Myopathy, myofibrillar, 9, with early respiratory failure. Last evaluated: 2018-01-13. Review status: criteria provided, single submitter. Criteria: ICSL Variant Classification Criteria 13 December 2019. Collection method: clinical testing. Allele origin: germline.

Illumina Laboratory Services, Illumina
Classification: Uncertain significance for Autosomal recessive limb-girdle muscular dystrophy type 2J. Last evaluated: 2018-01-13. Review status: criteria provided, single submitter. Criteria: ICSL Variant Classification Criteria 13 December 2019. Collection method: clinical testing. Allele origin: germline.

Illumina Laboratory Services, Illumina
Classification: Uncertain significance for Tibial muscular dystrophy. Last evaluated: 2018-01-13. Review status: criteria provided, single submitter. Criteria: ICSL Variant Classification Criteria 13 December 2019. Collection method: clinical testing. Allele origin: germline.

Labcorp Genetics (formerly Invitae), Labcorp
Classification: Uncertain significance for Dilated cardiomyopathy 1G; Autosomal recessive limb-girdle muscular dystrophy type 2J. Last evaluated: 2017-06-12. Review status: criteria provided, single submitter. Criteria: Invitae Variant Classification Sherloc (09022015). Collection method: clinical testing. Allele origin: germline.

Eurofins Ntd Llc (ga)
Classification: Uncertain significance. Last evaluated: 2014-06-04. Review status: criteria provided, single submitter. Criteria: EGL Classification Definitions 2015. Collection method: clinical testing. Allele origin: germline. Observed: 1 variant allele, 1 heterozygote.